The following is an entry in ClinVar:

ClinVar aggregate classification (germline): Conflicting classifications of pathogenicity. Review status: criteria provided, conflicting classifications (1 of 4 stars). 2 submissions from 2 submitters: Likely pathogenic (1); Uncertain significance (1). Last evaluated 2024-10-08.

Conditions:
Pseudoachondroplastic spondyloepiphyseal dysplasia syndrome (PSACH). Also called: PSEUDOACHONDROPLASTIC DYSPLASIA; Pseudoachondroplasia; COMP-Related Pseudoachondroplasia. Identifiers: Orphanet 750, MedGen C0410538, MONDO:0008322, OMIM 177170.

Submissions (2):

Labcorp Genetics (formerly Invitae), Labcorp
Classification: Uncertain significance. Last evaluated: 2024-10-08. Review status: criteria provided, single submitter. Criteria: Invitae Variant Classification Sherloc (09022015). Collection method: clinical testing. Allele origin: germline.
Comment: This sequence change replaces aspartic acid, which is acidic and polar, with valine, which is neutral and non-polar, at codon 317 of the COMP protein (p.Asp317Val). This variant is not present in population databases (gnomAD no frequency). This missense change has been observed in individual(s) with pseudoachondroplasia (internal data). ClinVar contains an entry for this variant (Variation ID: 803549). Invitae Evidence Modeling of protein sequence and biophysical properties (such as structural, functional, and spatial information, amino acid conservation, physicochemical variation, residue mobility, and thermodynamic stability) indicates that this missense variant is expected to disrupt COMP protein function with a positive predictive value of 80%. In summary, the available evidence is currently insufficient to determine the role of this variant in disease. Therefore, it has been classified as a Variant of Uncertain Significance.

Mendelics
Classification: Likely pathogenic for Pseudoachondroplastic spondyloepiphyseal dysplasia syndrome. Last evaluated: 2019-05-28. Review status: criteria provided, single submitter. Criteria: Mendelics Assertion Criteria 2017. Collection method: clinical testing. Allele origin: unknown.

NM_000095.3(COMP):c.950A>T (p.Asp317Val)

Gene: COMP (cartilage oligomeric matrix protein; minus strand). Cytogenetic location: 19p13.11.
Variant type: single nucleotide variant.
Coding change: c.950A>T on transcript NM_000095.3 (MANE Select); coding-DNA position 950, A replaced by T.
Protein change: p.Asp317Val; replaces aspartic acid 317 with valine.
Molecular consequence: missense variant.
Genome position (GRCh38, 1-based): chr19:18,788,237, T>A on the plus strand (A>T on the coding strand, the complement: COMP is on the minus strand). VCF-style: chr19-18788237-T-A. GRCh37 (hg19) VCF-style: chr19-18899046-T-A.
Other names: short protein forms D317V.
Identifiers: ClinVar variation 803549 (VCV000803549.3), dbSNP rs1601057057, ClinGen allele CA404890990.